The following is an entry in ClinVar:

ClinVar aggregate classification (germline): Uncertain significance (1 of 4 stars; one submission).

Conditions:
Juvenile polyposis syndrome (JPS). Identifiers: Orphanet 2929, MedGen C0345893, MONDO:0017380, OMIM 174900.

Submission:

Labcorp Genetics (formerly Invitae), Labcorp
Classification: Uncertain significance for Juvenile polyposis syndrome. Last evaluated: 2024-02-01. Review status: criteria provided, single submitter. Criteria: Invitae Variant Classification Sherloc (09022015). Collection method: clinical testing. Allele origin: germline.
Comment: This sequence change replaces phenylalanine, which is neutral and non-polar, with serine, which is neutral and polar, at codon 438 of the SMAD4 protein (p.Phe438Ser). This variant is not present in population databases (gnomAD no frequency). This variant has not been reported in the literature in individuals affected with SMAD4-related conditions. Advanced modeling of protein sequence and biophysical properties (such as structural, functional, and spatial information, amino acid conservation, physicochemical variation, residue mobility, and thermodynamic stability) has been performed at Invitae for this missense variant, however the output from this modeling did not meet the statistical confidence thresholds required to predict the impact of this variant on SMAD4 protein function. In summary, the available evidence is currently insufficient to determine the role of this variant in disease. Therefore, it has been classified as a Variant of Uncertain Significance.

NM_005359.6(SMAD4):c.1313T>C (p.Phe438Ser)

Gene: SMAD4 (SMAD family member 4; plus strand). Cytogenetic location: 18q21.2.
Variant type: single nucleotide variant.
Coding change: c.1313T>C on transcript NM_005359.6 (MANE Select); coding-DNA position 1313, T replaced by C.
Protein change: p.Phe438Ser; replaces phenylalanine 438 with serine.
Molecular consequence: missense variant. On other transcripts: non-coding transcript variant (1).
Genome position (GRCh38, 1-based): chr18:51,076,642, T>C. VCF-style: chr18-51076642-T-C. GRCh37 (hg19) VCF-style: chr18-48603012-T-C.
Other names: c.1313T>C, p.Phe438Ser (NM_001407041.1, NM_001407042.1); short protein forms F438S.
Identifiers: ClinVar variation 3637578 (VCV003637578.2).